The following is an entry in ClinVar:

NM_020223.4(FAM20C):c.527C>G (p.Pro176Arg)

Gene: FAM20C (FAM20C golgi associated secretory pathway kinase; plus strand). Cytogenetic location: 7p22.3.
Variant type: single nucleotide variant.
Coding change: c.527C>G on transcript NM_020223.4 (MANE Select); coding-DNA position 527, C replaced by G.
Protein change: p.Pro176Arg; replaces proline 176 with arginine.
Molecular consequence: missense variant.
Genome position (GRCh38, 1-based): chr7:193,726, C>G. VCF-style: chr7-193726-C-G. GRCh37 (hg19) VCF-style: chr7-193726-C-G.
Other names: short protein forms P176R.
Identifiers: ClinVar variation 1489708 (VCV001489708.8), dbSNP rs1226660428, ClinGen allele CA366524333.

ClinVar aggregate classification (germline): Uncertain significance (1 of 4 stars; one submission).

Allele frequency attached by ClinVar (database versions not stated): gnomAD exomes 0.00001.
gnomAD v4.1: 1 of 1,547,406 alleles (0.000065%); highest among the groups gnomAD compares: South Asian, 0.0012%; no homozygotes.

Submission:

Labcorp Genetics (formerly Invitae), Labcorp
Classification: Uncertain significance. Last evaluated: 2023-05-22. Review status: criteria provided, single submitter. Criteria: Invitae Variant Classification Sherloc (09022015). Collection method: clinical testing. Allele origin: germline.
Comment: Advanced modeling of protein sequence and biophysical properties (such as structural, functional, and spatial information, amino acid conservation, physicochemical variation, residue mobility, and thermodynamic stability) performed at Invitae indicates that this missense variant is not expected to disrupt FAM20C protein function. This sequence change replaces proline, which is neutral and non-polar, with arginine, which is basic and polar, at codon 176 of the FAM20C protein (p.Pro176Arg). The frequency data for this variant in the population databases is considered unreliable, as metrics indicate poor data quality at this position in the gnomAD database. This variant has not been reported in the literature in individuals affected with FAM20C-related conditions. ClinVar contains an entry for this variant (Variation ID: 1489708). In summary, the available evidence is currently insufficient to determine the role of this variant in disease. Therefore, it has been classified as a Variant of Uncertain Significance.